The following is an entry in ClinVar:

NM_000199.5(SGSH):c.637C>A (p.Gln213Lys)

Gene: SGSH (N-sulfoglucosamine sulfohydrolase; minus strand). Cytogenetic location: 17q25.3.
Variant type: single nucleotide variant.
Coding change: c.637C>A on transcript NM_000199.5 (MANE Select); coding-DNA position 637, C replaced by A.
Protein change: p.Gln213Lys; replaces glutamine 213 with lysine.
Molecular consequence: missense variant. On other transcripts: non-coding transcript variant (1).
Genome position (GRCh38, 1-based): chr17:80,214,198, G>T on the plus strand (C>A on the coding strand, the complement: SGSH is on the minus strand). VCF-style: chr17-80214198-G-T. GRCh37 (hg19) VCF-style: chr17-78187997-G-T.
Other names: c.637C>A, p.Gln213Lys (NM_001352921.3, NM_001352922.2); short protein forms Q213K.
Identifiers: ClinVar variation 325841 (VCV000325841.14), dbSNP rs200644359, ClinGen allele CA8817928.

ClinVar aggregate classification (germline): Conflicting classifications of pathogenicity. Review status: criteria provided, conflicting classifications (1 of 4 stars). 6 submissions from 6 submitters: Uncertain significance (5); Benign (1). Last evaluated 2026-05-22.

Conditions:
SGSH-related disorder. Also called: SGSH-related condition.
Inborn genetic diseases. Identifiers: MedGen C0950123, MeSH D030342.
Mucopolysaccharidosis, MPS-III-A (MPS3A). Also called: MUCOPOLYSACCHARIDOSIS, TYPE IIIA, ATTENUATED; Mucopolysaccharidosis type IIIA (Sanfilippo A); mucopolysaccharidosis type 3A; MPS IIIA (Sanfilippo Syndrome Type A); MPS III A; HEPARAN SULFATE SULFATASE DEFICIENCY. Identifiers: Orphanet 581, Orphanet 79269, MedGen C0086647, MONDO:0009655, OMIM 252900.

Allele frequency attached by ClinVar (database versions not stated): TOPMed 0.00011; ExAC 0.00001; 1000 Genomes Project 30x 0.00047; 1000 Genomes Project 0.00040.

Submissions (6):

PreventionGenetics, part of Exact Sciences
Classification: Uncertain significance for SGSH-related condition. Last evaluated: 2026-05-22. Review status: criteria provided, single submitter. Criteria: ACMG Guidelines, 2015. Collection method: clinical testing. Allele origin: germline.
Comment: The SGSH c.637C>A variant is predicted to result in the amino acid substitution p.Gln213Lys. To our knowledge, this variant has not been reported in the literature. This variant is reported in 0.0057% of alleles in individuals of Latino descent in gnomAD. At this time, the clinical significance of this variant is uncertain due to the absence of conclusive functional and genetic evidence.

Labcorp Genetics (formerly Invitae), Labcorp
Classification: Benign for Mucopolysaccharidosis, MPS-III-A. Last evaluated: 2026-01-18. Review status: criteria provided, single submitter. Criteria: Invitae Variant Classification Sherloc (09022015). Collection method: clinical testing. Allele origin: germline.

Ambry Genetics
Classification: Uncertain significance for Inborn genetic diseases. Last evaluated: 2025-08-06. Review status: criteria provided, single submitter. Criteria: Ambry Variant Classification Scheme 2023. Collection method: clinical testing. Allele origin: germline.

GeneDx
Classification: Uncertain significance. Last evaluated: 2023-08-23. Review status: criteria provided, single submitter. Criteria: GeneDx Variant Classification Process June 2021. Collection method: clinical testing. Allele origin: germline. Affected: yes.
Comment: Not observed at significant frequency in large population cohorts (gnomAD); In silico analysis supports that this missense variant does not alter protein structure/function; Has not been previously published as pathogenic or benign to our knowledge

Genome-Nilou Lab
Classification: Uncertain significance for Mucopolysaccharidosis, MPS-III-A. Last evaluated: 2021-11-07. Review status: criteria provided, single submitter. Criteria: ACMG Guidelines, 2015. Collection method: clinical testing. Allele origin: germline. Affected: no.

Illumina Laboratory Services, Illumina
Classification: Uncertain significance for Mucopolysaccharidosis, MPS-III-A. Last evaluated: 2018-01-13. Review status: criteria provided, single submitter. Criteria: ICSL Variant Classification Criteria 13 December 2019. Collection method: clinical testing. Allele origin: germline.